The following is an entry in ClinVar:

ClinVar aggregate classification (germline): Conflicting classifications of pathogenicity. Review status: criteria provided, conflicting classifications (1 of 4 stars). 3 submissions from 3 submitters: Pathogenic (1); Likely pathogenic (1); Uncertain significance (1). Last evaluated 2026-08-06.

Conditions:
Oculotrichoanal syndrome (MOTA). Also called: MARLES SYNDROME; Manitoba Oculotrichoanal (MOTA) Syndrome. Identifiers: Orphanet 2717, MedGen C1855425, MONDO:0009560, OMIM 248450.

Allele frequency attached by ClinVar (database versions not stated): gnomAD 0.00002; TOPMed 0.00002; ExAC 0.00003; gnomAD exomes 0.00004.
gnomAD v4.1: 59 of 1,606,724 alleles (0.0037%); highest among the groups gnomAD compares: Non-Finnish European, 0.0049%; no homozygotes.

Submissions (3):

OLLIN Analises Genomicas, OLLIN
Classification: Pathogenic. Last evaluated: 2026-08-06. Review status: criteria provided, single submitter. Criteria: ACMG Guidelines 2015 PMID 25741868. Collection method: clinical testing. Allele origin: germline.
Comment: This variant, located at the canonical splicing site (splice acceptor), has been reported in ClinVar (accession VCV003065979.2) and in gnomAD with an allele frequency of 0.0037%. However, to our knowledge, it has not been reported in the scientific literature. This variant is predicted to disrupt a canonical splice site, potentially leading to exon skipping, mRNA degradation via nonsense-mediated decay (NMD), or production of a truncated protein. Another pathogenic variant has been reported to result in the same amino acid substitution. According to the currently available evidence, this variant has been classified as pathogenic (PVS1, PS1_P, PM2_P).

Genomic Medicine Center of Excellence, King Faisal Specialist Hospital and Research Centre
Classification: Likely pathogenic for Oculotrichoanal syndrome. Last evaluated: 2024-03-29. Review status: criteria provided, single submitter. Criteria: ACMG Guidelines, 2015. Collection method: clinical testing. Allele origin: germline.

GeneDx
Classification: Uncertain significance. Last evaluated: 2023-12-13. Review status: criteria provided, single submitter. Criteria: GeneDx Variant Classification Process June 2021. Collection method: clinical testing. Allele origin: germline. Affected: yes.
Comment: Has not been previously published as pathogenic or benign to our knowledge; Canonical splice site variant predicted to result in a null allele in a gene for which loss of function is a known mechanism of disease

NM_001379081.2(FREM1):c.5205-2A>G

Gene: FREM1 (FRAS1 related extracellular matrix 1; minus strand). Cytogenetic location: 9p22.3.
Variant type: single nucleotide variant.
Coding change: c.5205-2A>G on transcript NM_001379081.2 (MANE Select); the canonical splice acceptor site of the intron before coding-DNA position 5205, A replaced by G.
Molecular consequence: splice acceptor variant.
Genome position (GRCh38, 1-based): chr9:14,759,903, T>C on the plus strand (A>G on the coding strand, the complement: FREM1 is on the minus strand). VCF-style: chr9-14759903-T-C. GRCh37 (hg19) VCF-style: chr9-14759901-T-C.
Other names: c.5205-2A>G (NM_144966.7); c.813-2A>G (NM_001370061.2, NM_001370058.2, NM_001177704.3).
Identifiers: ClinVar variation 3065979 (VCV003065979.3), dbSNP rs781342502, ClinGen allele CA4989845.